The following is an entry in ClinVar:

ClinVar aggregate classification (germline): Uncertain significance (0 of 4 stars; one submission).

Conditions:
SLC10A1-related disorder. Also called: SLC10A1-related condition.

gnomAD v4.1: 6 of 1,613,742 alleles (0.00037%); highest among the groups gnomAD compares: Non-Finnish European, 0.00051%; no homozygotes.

Submission:

PreventionGenetics, part of Exact Sciences
Classification: Uncertain significance for SLC10A1-related condition. Last evaluated: 2023-12-07. Review status: no assertion criteria provided. Collection method: clinical testing. Allele origin: germline.
Comment: The SLC10A1 c.340G>C variant is predicted to result in the amino acid substitution p.Gly114Arg. To our knowledge, this variant has not been reported in the literature. This variant is reported in 0.00089% of alleles in individuals of European (Non-Finnish) descent in gnomAD. At this time, the clinical significance of this variant is uncertain due to the absence of conclusive functional and genetic evidence.

NM_003049.4(SLC10A1):c.340G>C (p.Gly114Arg)

Gene: SLC10A1 (solute carrier family 10 member 1; minus strand). Cytogenetic location: 14q24.1.
Variant type: single nucleotide variant.
Coding change: c.340G>C on transcript NM_003049.4 (MANE Select); coding-DNA position 340, G replaced by C.
Protein change: p.Gly114Arg; replaces glycine 114 with arginine.
Molecular consequence: missense variant.
Genome position (GRCh38, 1-based): chr14:69,796,816, C>G on the plus strand (G>C on the coding strand, the complement: SLC10A1 is on the minus strand). VCF-style: chr14-69796816-C-G. GRCh37 (hg19) VCF-style: chr14-70263533-C-G.
Other names: short protein forms G114R.
Identifiers: ClinVar variation 3032805 (VCV003032805.2), dbSNP rs774528826, ClinGen allele CA7246231.